The following is an entry in ClinVar:

NM_144670.6(A2ML1):c.1775G>A (p.Arg592Gln)

Gene: A2ML1 (alpha-2-macroglobulin like 1; plus strand). Cytogenetic location: 12p13.31.
Variant type: single nucleotide variant.
Coding change: c.1775G>A on transcript NM_144670.6 (MANE Select); coding-DNA position 1775, G replaced by A.
Protein change: p.Arg592Gln; replaces arginine 592 with glutamine.
Molecular consequence: missense variant.
Genome position (GRCh38, 1-based): chr12:8,847,640, G>A. VCF-style: chr12-8847640-G-A. GRCh37 (hg19) VCF-style: chr12-9000236-G-A.
Other names: c.302G>A, p.Arg101Gln (NM_001282424.3); short protein forms R592Q, R101Q.
Identifiers: ClinVar variation 413828 (VCV000413828.14), dbSNP rs200673370, ClinGen allele CA6435811.

ClinVar aggregate classification (germline): Benign/Likely benign. Review status: criteria provided, multiple submitters, no conflicts (2 of 4 stars). 5 submissions from 5 submitters: Benign (1); Likely benign (4). Last evaluated 2026-01-05.

Conditions:
A2ML1-related disorder. Also called: A2ML1-related condition.

Allele frequency attached by ClinVar (database versions not stated): TOPMed 0.00041.
gnomAD v4.1: 680 of 1,613,426 alleles (0.042%); highest among the groups gnomAD compares: Admixed American, 0.12%; 1 homozygote.

Submissions (5):

Labcorp Genetics (formerly Invitae), Labcorp
Classification: Likely benign. Last evaluated: 2026-01-05. Review status: criteria provided, single submitter. Criteria: Invitae Variant Classification Sherloc (09022015). Collection method: clinical testing. Allele origin: germline.

PreventionGenetics, part of Exact Sciences
Classification: Likely benign for A2ML1-related condition. Last evaluated: 2024-12-13. Review status: criteria provided, single submitter. Criteria: ACMG Guidelines, 2015. Collection method: clinical testing. Allele origin: germline.
Comment: This variant is classified as likely benign based on ACMG/AMP sequence variant interpretation guidelines (Richards et al. 2015 PMID: 25741868, with internal and published modifications).

Women's Health and Genetics/Laboratory Corporation of America, LabCorp
Classification: Likely benign. Last evaluated: 2020-10-19. Review status: criteria provided, single submitter. Criteria: LabCorp Variant Classification Summary - May 2015. Collection method: clinical testing. Allele origin: germline.
Comment: Variant summary: A2ML1 c.1775G>A (p.Arg592Gln) results in a conservative amino acid change in the encoded protein sequence. Five of five in-silico tools predict a benign effect of the variant on protein function. The variant allele was found at a frequency of 0.00047 in 248816 control chromosomes. The observed variant frequency is approximately 116.5-fold the estimated maximal expected allele frequency for a pathogenic variant in A2ML1 causing Noonan Syndrome phenotype (4e-06), strongly suggesting that the variant is benign. To our knowledge, no occurrence of c.1775G>A in individuals affected with Noonan Syndrome and no experimental evidence demonstrating its impact on protein function have been reported. One clinical diagnostic laboratory has submitted clinical-significance assessments for this variant to ClinVar after 2014 without evidence for independent evaluation and cited the variant as likely benign. Based on the evidence outlined above, the variant was classified as likely benign.

GeneDx
Classification: Benign. Last evaluated: 2020-08-11. Review status: criteria provided, single submitter. Criteria: GeneDx Variant Classification Process June 2021. Collection method: clinical testing. Allele origin: germline. Affected: yes.

Breakthrough Genomics
Classification: Likely benign. Review status: criteria provided, single submitter. Criteria: ACMG Guidelines, 2015. Collection method: not provided. Allele origin: germline. Inheritance: Autosomal dominant inheritance. Affected: yes.